The following is an entry in ClinVar:

ClinVar aggregate classification (germline): Likely pathogenic (1 of 4 stars; one submission).

Conditions:
Rubinstein-Taybi syndrome (RSTS). Identifiers: Orphanet 783, MedGen C0035934, MONDO:0019188.

Submission:

Labcorp Genetics (formerly Invitae), Labcorp
Classification: Likely pathogenic for Rubinstein-Taybi syndrome. Last evaluated: 2020-04-06. Review status: criteria provided, single submitter. Criteria: Invitae Variant Classification Sherloc (09022015). Collection method: clinical testing. Allele origin: germline.
Comment: This sequence change affects an acceptor splice site in intron 6 of the CREBBP gene. It is expected to disrupt RNA splicing and likely results in an absent or disrupted protein product. This variant is not present in population databases (ExAC no frequency). In summary, the currently available evidence indicates that the variant is pathogenic, but additional data are needed to prove that conclusively. Therefore, this variant has been classified as Likely Pathogenic. Donor and acceptor splice site variants typically lead to a loss of protein function (PMID: 16199547), and loss-of-function variants in CREBBP are known to be pathogenic (PMID: 17052327, 18792986). Algorithms developed to predict the effect of sequence changes on RNA splicing suggest that this variant may disrupt the consensus splice site, but this prediction has not been confirmed by published transcriptional studies. This variant has been observed in individual(s) affected with clinical features of Rubinstein-Taybi Syndrome (Invitae).

Literature cited by the submitters: PubMed 16199547; PubMed 17052327; PubMed 18792986.

NM_004380.3(CREBBP):c.1574-2A>G

Gene: CREBBP (CREB binding lysine acetyltransferase; minus strand). Cytogenetic location: 16p13.3.
Variant type: single nucleotide variant.
Coding change: c.1574-2A>G on transcript NM_004380.3 (MANE Select); the canonical splice acceptor site of the intron before coding-DNA position 1574, A replaced by G.
Molecular consequence: splice acceptor variant.
Genome position (GRCh38, 1-based): chr16:3,781,308, T>C on the plus strand (A>G on the coding strand, the complement: CREBBP is on the minus strand). VCF-style: chr16-3781308-T-C. GRCh37 (hg19) VCF-style: chr16-3831309-T-C.
Other names: c.1460-2A>G (NM_001079846.1).
Identifiers: ClinVar variation 1067353 (VCV001067353.9), dbSNP rs2141248421, ClinGen allele CA394556999.